The following is an entry in ClinVar:

NM_001267550.2(TTN):c.84263G>A (p.Ser28088Asn)

Genes: TTN (titin; minus strand), TTN-AS1 (TTN antisense RNA 1; plus strand). Cytogenetic location: 2q31.2.
Variant type: single nucleotide variant.
Coding change: c.84263G>A on transcript NM_001267550.2 (MANE Select); coding-DNA position 84263, G replaced by A.
Protein change: p.Ser28088Asn; replaces serine 28088 with asparagine.
Molecular consequence: missense variant.
Genome position (GRCh38, 1-based): chr2:178,561,869, C>T on the plus strand (G>A on the coding strand, the complement: TTN is on the minus strand). VCF-style: chr2-178561869-C-T. GRCh37 (hg19) VCF-style: chr2-179426596-C-T.
Other names: p.S26447N:AGC>AAC; p.Ser26447Asn; c.79340G>A, p.Ser26447Asn (NM_001256850.1); c.76559G>A, p.Ser25520Asn (NM_133378.4); c.57068G>A, p.Ser19023Asn (NM_003319.4); c.57443G>A, p.Ser19148Asn (NM_133432.3); c.57644G>A, p.Ser19215Asn (NM_133437.4); short protein forms S28088N, S25520N, S26447N, S19215N, S19148N, S19023N.
Identifiers: ClinVar variation 47432 (VCV000047432.74), dbSNP rs200450022, ClinGen allele CA140979.
Genomic context (GRCh38, chr2:178,561,869, plus strand): 5'-GCTTGTGAAACTATGTGCCATGTTGTAGAGGTGGTTTCTTTCTTTTCAACAATGTAATTG[C>T]TAATTTGGCAGCCACCATCATATTCTGGAGGATTCCAAGAAATGGTTATGCTGTCACAAC-3'
Protein context (NP_001254479.2, residues 28078-28098): PPEYDGGCQI[Ser28088Asn]NYIVEKKETT

ClinVar aggregate classification (germline): Conflicting classifications of pathogenicity. Review status: criteria provided, conflicting classifications (1 of 4 stars). 20 submissions from 16 submitters: Uncertain significance (7); Benign (3); Likely benign (9). 1 of the submissions does not count toward it. Last evaluated 2026-02-02.

Conditions:
Cardiovascular phenotype. Identifiers: MedGen CN230736.
TTN-related disorder. Also called: TTN-related condition; TTN-related disease; TTN-related disorders.
Dilated cardiomyopathy 1G (CMD1G). Identifiers: Orphanet 154, MedGen C1858763, MONDO:0011400, OMIM 604145.
Autosomal recessive limb-girdle muscular dystrophy type 2J (LGMDR10). Also called: Limb-girdle muscular dystrophy, type 2J; MUSCULAR DYSTROPHY, LIMB-GIRDLE, AUTOSOMAL RECESSIVE 10. Identifiers: Orphanet 140922, MedGen C1837342, MONDO:0012127, OMIM 608807.
Cardiomyopathy (CMYO). Also called: Cardiomyopathies. Identifiers: Orphanet 167848, MedGen C0878544, MONDO:0004994, HP:0001638. Inheritance: Various modes of inheritance.
Early-onset myopathy with fatal cardiomyopathy (CMYO5). Also called: Salih Myopathy; CONGENITAL MYOPATHY 5 WITH CARDIOMYOPATHY. Identifiers: Orphanet 289377, MedGen C2673677, MONDO:0012714, OMIM 611705. Disease mechanism: loss of function.
Myopathy, myofibrillar, 9, with early respiratory failure (MFM9). Also called: Hereditary myopathy with early respiratory failure; Myopathy, distal, with early respiratory failure, autosomal dominant; EDSTROM MYOPATHY; MYOPATHY, PROXIMAL, WITH EARLY RESPIRATORY MUSCLE INVOLVEMENT. Identifiers: Orphanet 178464, Orphanet 34521, MedGen C1863599, MONDO:0011362, OMIM 603689.
Tibial muscular dystrophy (TMD). Also called: Udd Distal Myopathy – Tibial Muscular Dystrophy; Tibial muscular dystrophy, tardive; UDD MYOPATHY. Identifiers: Orphanet 609, MedGen C1838244, MONDO:0010870, OMIM 600334.

Allele frequency attached by ClinVar (database versions not stated): 1000 Genomes Project 30x 0.00047; ESP Exome Variant Server 0.00058; ExAC 0.00059; 1000 Genomes Project 0.00060; gnomAD exomes 0.00061; gnomAD 0.00062 and 0.00063; TOPMed 0.00073.
gnomAD v4.1: 1,995 of 1,613,636 alleles (0.12%); highest among the groups gnomAD compares: Non-Finnish European, 0.16%; 3 homozygotes.

Submissions (20):

Labcorp Genetics (formerly Invitae), Labcorp
Classification: Likely benign for Dilated cardiomyopathy 1G; Autosomal recessive limb-girdle muscular dystrophy type 2J. Last evaluated: 2026-02-02. Review status: criteria provided, single submitter. Criteria: Invitae Variant Classification Sherloc (09022015). Collection method: clinical testing. Allele origin: germline.

Mayo Clinic Laboratories, Mayo Clinic
Classification: Likely benign. Last evaluated: 2025-08-07. Review status: criteria provided, single submitter. Criteria: ACMG Guidelines, 2015. Collection method: clinical testing. Allele origin: germline. Observed: 2 variant alleles.
Comment: BS1, BP4_moderate

Molecular Diagnostic Laboratory for Inherited Cardiovascular Disease, Montreal Heart Institute
Classification: Likely benign. Last evaluated: 2025-04-09. Review status: criteria provided, single submitter. Criteria: ACMG Guidelines, 2015. Collection method: clinical testing. Allele origin: germline. Affected: no.

Women's Health and Genetics/Laboratory Corporation of America, LabCorp
Classification: Likely benign. Last evaluated: 2025-03-14. Review status: criteria provided, single submitter. Criteria: LabCorp Variant Classification Summary - May 2015. Collection method: clinical testing. Allele origin: germline.

Athena Diagnostics
Classification: Likely benign. Last evaluated: 2025-01-07. Review status: criteria provided, single submitter. Criteria: Athena Diagnostics Criteria. Collection method: clinical testing. Allele origin: unknown.
Comment: The frequency of this variant in the general population is higher than would generally be expected for pathogenic variants in this gene. Computational tools predict this amino acid change may be benign.

Blueprint Genetics
Classification: Likely benign. Last evaluated: 2024-09-17. Review status: criteria provided, single submitter. Criteria: ACMG Guidelines, 2015. Collection method: clinical testing. Allele origin: germline.

Ambry Genetics
Classification: Likely benign for Cardiovascular phenotype. Last evaluated: 2022-03-28. Review status: criteria provided, single submitter. Criteria: Ambry Variant Classification Scheme 2023. Collection method: clinical testing. Allele origin: germline.

CHEO Genetics Diagnostic Laboratory, Children's Hospital of Eastern Ontario
Classification: Likely benign for Cardiomyopathy. Last evaluated: 2021-09-29. Review status: criteria provided, single submitter. Criteria: ACMG Guidelines, 2015. Collection method: clinical testing. Allele origin: germline.

ARUP Laboratories, Molecular Genetics and Genomics, ARUP Laboratories
Classification: Uncertain significance. Last evaluated: 2021-03-02. Review status: criteria provided, single submitter. Criteria: ARUP Molecular Germline Variant Investigation Process 2021. Collection method: clinical testing. Allele origin: germline.
Comment: The TTN c.84263G>A; p.Ser28088Asn variant (rs200450022; ClinVar Variation ID: 47432) is rare in the general population (<0.2% allele frequency in the Genome Aggregation Database) and has not been reported in the medical literature in association with dilated cardiomyopathy (DCM) or other TTN-related disease. The clinical relevance of rare missense variants in this gene, which are identified on average once per individual sequenced in affected populations (Herman 2012), is not well understood. Yet, evidence suggests that the vast majority of such missense variants do not contribute to the clinical outcome of DCM (Begay 2015). Thus, the clinical significance of the p.Ser28088Asn variant cannot be determined with certainty.

GeneDx
Classification: Likely benign. Last evaluated: 2020-09-28. Review status: criteria provided, single submitter. Criteria: GeneDx Variant Classification Process June 2021. Collection method: clinical testing. Allele origin: germline. Affected: yes.
Comment: Missense variant in a gene in which most reported pathogenic variants are truncating/loss-of-function; In silico analysis supports that this missense variant does not alter protein structure/function; This variant is associated with the following publications: (PMID: 23396983)

CeGaT Center for Human Genetics Tuebingen
Classification: Uncertain significance. Last evaluated: 2019-02-01. Review status: criteria provided, single submitter. Criteria: CeGaT Center For Human Genetics Tuebingen Variant Classification Criteria Version 2. Collection method: clinical testing. Allele origin: germline. Affected: yes. Observed: 1 variant allele.

Laboratory for Molecular Medicine, Mass General Brigham Personalized Medicine
Classification: Benign. Last evaluated: 2018-02-09. Review status: criteria provided, single submitter. Criteria: LMM Criteria. Collection method: clinical testing. Allele origin: germline. Observed: 4 variant alleles.
Comment: proposed classification - variant undergoing re-assessment, contact laboratory

Illumina Laboratory Services, Illumina
Classification: Uncertain significance for Autosomal recessive limb-girdle muscular dystrophy type 2J. Last evaluated: 2018-01-13. Review status: criteria provided, single submitter. Criteria: ICSL Variant Classification Criteria 13 December 2019. Collection method: clinical testing. Allele origin: germline.

Illumina Laboratory Services, Illumina
Classification: Uncertain significance for Dilated cardiomyopathy 1G. Last evaluated: 2018-01-13. Review status: criteria provided, single submitter. Criteria: ICSL Variant Classification Criteria 13 December 2019. Collection method: clinical testing. Allele origin: germline.

Illumina Laboratory Services, Illumina
Classification: Benign for Myopathy, myofibrillar, 9, with early respiratory failure. Last evaluated: 2018-01-13. Review status: criteria provided, single submitter. Criteria: ICSL Variant Classification Criteria 13 December 2019. Collection method: clinical testing. Allele origin: germline.
Comment: This variant was observed in the ICSL laboratory as part of a predisposition screen in an ostensibly healthy population. It had not been previously curated by ICSL or reported in the Human Gene Mutation Database (HGMD: prior to June 1st, 2018), and was therefore a candidate for classification through an automated scoring system. Utilizing variant allele frequency, disease prevalence and penetrance estimates, and inheritance mode, an automated score was calculated to assess if this variant is too frequent to cause the disease. Based on the score and internal cut-off values, a variant classified as benign is not then subjected to further curation. The score for this variant resulted in a classification of benign for this disease.

Illumina Laboratory Services, Illumina
Classification: Uncertain significance for Early-onset myopathy with fatal cardiomyopathy. Last evaluated: 2018-01-13. Review status: criteria provided, single submitter. Criteria: ICSL Variant Classification Criteria 13 December 2019. Collection method: clinical testing. Allele origin: germline.

Illumina Laboratory Services, Illumina
Classification: Benign for Tibial muscular dystrophy. Last evaluated: 2018-01-13. Review status: criteria provided, single submitter. Criteria: ICSL Variant Classification Criteria 13 December 2019. Collection method: clinical testing. Allele origin: germline.
Comment: the same text as in the submission from Illumina Laboratory Services, Illumina above.

Eurofins Ntd Llc (ga)
Classification: Uncertain significance. Last evaluated: 2017-12-29. Review status: criteria provided, single submitter. Criteria: EGL Classification Definitions 2015. Collection method: clinical testing. Allele origin: germline. Observed: 11 variant alleles, 11 heterozygotes.

Biesecker Lab/Clinical Genomics Section, National Institutes of Health
Classification: Uncertain significance. Last evaluated: 2013-06-24. Review status: criteria provided, single submitter. Criteria: Ng et al. (Circ Cardiovasc Genet. 2013). Collection method: research. Allele origin: unknown. Observed: 1 variant allele. Study: ClinSeq.
Comment: The study set was not selected for affection status in relation to any cancer. Pathogenicity categories were based on literature curation. See Pubmed ID:23861362 for details.

Medical sequencing

PreventionGenetics, part of Exact Sciences
Classification: Likely benign for TTN-related condition. Last evaluated: 2024-08-09. Review status: no assertion criteria provided. Collection method: clinical testing. Allele origin: germline. Not counted in ClinVar's aggregate classification.
Comment: This variant is classified as likely benign based on ACMG/AMP sequence variant interpretation guidelines (Richards et al. 2015 PMID: 25741868, with internal and published modifications).

Literature cited by the submitters: PubMed 27930701 (cited by Athena Diagnostics); PubMed 23861362 (cited by Athena Diagnostics); PubMed 38612618 (cited by Athena Diagnostics); PubMed 26516846 (cited by Athena Diagnostics).